The following is an entry in ClinVar:

ClinVar aggregate classification (germline): Uncertain significance. Review status: criteria provided, multiple submitters, no conflicts (2 of 4 stars). 8 submissions from 8 submitters: Uncertain significance (8). Last evaluated 2026-01-27.

Conditions:
Familial adenomatous polyposis 1 (FAP1). Also called: FAMILIAL ADENOMATOUS POLYPOSIS 1, ATTENUATED; POLYPOSIS, ADENOMATOUS INTESTINAL. Identifiers: MedGen C2713442, MONDO:0021056, OMIM 175100. Disease mechanism: loss of function.
Hereditary cancer-predisposing syndrome. Also called: Neoplastic Syndromes, Hereditary; Tumor predisposition; Hereditary Cancer Syndrome; Hereditary neoplastic syndrome. Identifiers: Orphanet 140162, MedGen C0027672, MeSH D009386, MONDO:0015356.
Classic or attenuated familial adenomatous polyposis. Identifiers: MedGen CN372698, MONDO:0021057.

Allele frequency attached by ClinVar (database versions not stated): gnomAD exomes 0.00001.
gnomAD v4.1: 5 of 1,613,990 alleles (0.00031%); highest among the groups gnomAD compares: Admixed American, 0.0067%; no homozygotes.

Submissions (8):

Labcorp Genetics (formerly Invitae), Labcorp
Classification: Uncertain significance for Familial adenomatous polyposis 1. Last evaluated: 2026-01-27. Review status: criteria provided, single submitter. Criteria: Invitae Variant Classification Sherloc (09022015). Collection method: clinical testing. Allele origin: germline.
Comment: This sequence change replaces proline, which is neutral and non-polar, with leucine, which is neutral and non-polar, at codon 2299 of the APC protein (p.Pro2299Leu). This variant is present in population databases (no rsID available, gnomAD 0.006%). This missense change has been observed in individual(s) with clinical features of familial adenomatous polyposis (PMID: 34897210). ClinVar contains an entry for this variant (Variation ID: 230835). Invitae Evidence Modeling of protein sequence and biophysical properties (such as structural, functional, and spatial information, amino acid conservation, physicochemical variation, residue mobility, and thermodynamic stability) indicates that this missense variant is not expected to disrupt APC protein function with a negative predictive value of 95%. In summary, the available evidence is currently insufficient to determine the role of this variant in disease. Therefore, it has been classified as a Variant of Uncertain Significance.

Ambry Genetics
Classification: Uncertain significance for Hereditary cancer-predisposing syndrome. Last evaluated: 2025-07-25. Review status: criteria provided, single submitter. Criteria: Ambry Variant Classification Scheme 2023. Collection method: clinical testing. Allele origin: germline.
Comment: The p.P2299L variant (also known as c.6896C>T), located in coding exon 15 of the APC gene, results from a C to T substitution at nucleotide position 6896. The proline at codon 2299 is replaced by leucine, an amino acid with similar properties. This amino acid position is not well conserved in available vertebrate species. In addition, in silico predictors for this gene do not accurately predict pathogenicity. Since supporting evidence is limited at this time, the clinical significance of this alteration remains unclear.

Color Diagnostics, LLC DBA Color Health
Classification: Uncertain significance for Hereditary cancer-predisposing syndrome. Last evaluated: 2025-01-14. Review status: criteria provided, single submitter. Criteria: ACMG Guidelines, 2015. Collection method: clinical testing. Allele origin: germline.
Comment: This missense variant replaces proline with leucine at codon 2299 of the APC protein. Computational prediction suggests that this variant may not impact protein structure and function (internally defined REVEL score threshold <= 0.5, PMID: 27666373). To our knowledge, functional studies have not been reported for this variant. This variant has been reported in individuals at risk of being affected with familial adenomatous polyposis or colorectal cancer (PMID: 31269945, 34897210). This variant has been identified in 5/1613990 chromosomes in the general population by the Genome Aggregation Database (gnomAD). The available evidence is insufficient to determine the role of this variant in disease conclusively. Therefore, this variant is classified as a Variant of Uncertain Significance.

All of Us Research Program, National Institutes of Health
Classification: Uncertain significance for Classic or attenuated familial adenomatous polyposis. Last evaluated: 2023-09-17. Review status: criteria provided, single submitter. Criteria: ACMG Guidelines, 2015. Collection method: clinical testing. Allele origin: germline. Inheritance: Autosomal dominant inheritance. Observed: 2 variant alleles, 2 heterozygotes.
Comment: This missense variant replaces proline with leucine at codon 2299 of the APC protein. Computational prediction suggests that this variant may not impact protein structure and function (internally defined REVEL score threshold <= 0.5, PMID: 27666373). To our knowledge, functional studies have not been reported for this variant. This variant has been reported in individuals at risk of being affected with familial adenomatous polyposis or colorectal cancer (PMID: 31269945, 34897210). This variant has been identified in 2/251036 chromosomes in the general population by the Genome Aggregation Database (gnomAD). The available evidence is insufficient to determine the role of this variant in disease conclusively. Therefore, this variant is classified as a Variant of Uncertain Significance.

This study involves interpretation of variants in research participants for the purpose of population health screening. Participant phenotype was not available at the time of variant classification. Additional details can be found in publication PMID: 35346344, PMCID: PMC8962531

Baylor Genetics
Classification: Uncertain significance for Familial adenomatous polyposis 1. Last evaluated: 2023-09-06. Review status: criteria provided, single submitter. Criteria: ACMG Guidelines, 2015. Collection method: clinical testing. Allele origin: unknown.

Women's Health and Genetics/Laboratory Corporation of America, LabCorp
Classification: Uncertain significance. Last evaluated: 2022-10-13. Review status: criteria provided, single submitter. Criteria: LabCorp Variant Classification Summary - May 2015. Collection method: clinical testing. Allele origin: germline.
Comment: Variant summary: APC c.6896C>T (p.Pro2299Leu) results in a non-conservative amino acid change located in the Adenomatous polyposis coli protein basic domain (IPR009234) of the encoded protein sequence. Three of five in-silico tools predict a damaging effect of the variant on protein function. The variant allele was found at a frequency of 8e-06 in 251036 control chromosomes (gnomAD). The available data on variant occurrences in the general population are insufficient to allow any conclusion about variant significance. c.6896C>T has been reported in the literature in individual(s) affected with Familial Adenomatous Polyposis (e.g. Kim_2019, Park_2022). These report(s) do not provide unequivocal conclusions about association of the variant with Familial Adenomatous Polyposis. To our knowledge, no experimental evidence demonstrating an impact on protein function has been reported. Five ClinVar submitters (evaluation after 2014) cite the variant as uncertain significance. Based on the evidence outlined above, the variant was classified as uncertain significance.

Quest Diagnostics Nichols Institute San Juan Capistrano
Classification: Uncertain significance. Last evaluated: 2017-11-20. Review status: criteria provided, single submitter. Criteria: Quest Diagnostics criteria. Collection method: clinical testing. Allele origin: germline.

GeneDx
Classification: Uncertain significance. Last evaluated: 2015-11-12. Review status: criteria provided, single submitter. Criteria: GeneDx Variant Classification (06012015). Collection method: clinical testing. Allele origin: germline. Affected: yes.
Comment: This variant is denoted APC c.6896C>T at the cDNA level, p.Pro2299Leu (P2299L) at the protein level, and results in the change of a Proline to a Leucine (CCT>CTT). This variant has not, to our knowledge, been published in the literature as pathogenic or benign. APC Pro2299Leu was not observed in approximately 6,500 individuals of European and African American ancestry in the NHLBI Exome Sequencing Project, indicating it is not a common benign variant in these populations. Since Proline and Leucine differ in some properties, this is considered a semi-conservative amino acid substitution. APC Pro2299Leu occurs at a position that is not conserved and is located within a Serine-rich region and within the Basic domain (Azzopardi 2008, UniProt). In silico analyses are inconsistent regarding the effect this variant may have on protein structure and function. Based on currently available information, it is unclear whether APC Pro2299Leu is pathogenic or benign. We consider it to be a variant of uncertain significance.

Literature cited by the submitters: PubMed 34897210 (cited by 4 submitters); PubMed 31269945 (cited by 3 submitters).

NM_000038.6(APC):c.6896C>T (p.Pro2299Leu)

Gene: APC (APC regulator of Wnt signaling pathway; plus strand). Cytogenetic location: 5q22.2.
Variant type: single nucleotide variant.
Coding change: c.6896C>T on transcript NM_000038.6 (MANE Select); coding-DNA position 6896, C replaced by T.
Protein change: p.Pro2299Leu; replaces proline 2299 with leucine.
Molecular consequence: missense variant.
Genome position (GRCh38, 1-based): chr5:112,842,490, C>T. VCF-style: chr5-112842490-C-T. GRCh37 (hg19) VCF-style: chr5-112178187-C-T.
Other names: c.6896C>T, p.Pro2299Leu (NM_001127510.3, NM_001354895.2); c.6842C>T, p.Pro2281Leu (NM_001127511.3); c.6950C>T, p.Pro2317Leu (NM_001354896.2); c.6926C>T, p.Pro2309Leu (NM_001354897.2); c.6821C>T, p.Pro2274Leu (NM_001354898.2); c.6812C>T, p.Pro2271Leu (NM_001354899.2); c.6773C>T, p.Pro2258Leu (NM_001354900.2); c.6719C>T, p.Pro2240Leu (NM_001354901.2); and 5 more; short protein forms P2281L, P2299L, P2139L, P2173L, P2271L, P2274L, P2309L, P2016L.
Identifiers: ClinVar variation 230835 (VCV000230835.26), dbSNP rs876658800, ClinGen allele CA10578439.